The following is an entry in ClinVar:

ClinVar aggregate classification (germline): Uncertain significance. Review status: criteria provided, multiple submitters, no conflicts (2 of 4 stars). 3 submissions from 3 submitters: Uncertain significance (3). Last evaluated 2025-09-08.

Conditions:
Cardiomyopathy (CMYO). Also called: Cardiomyopathies. Identifiers: Orphanet 167848, MedGen C0878544, MONDO:0004994, HP:0001638. Inheritance: Various modes of inheritance.
Cardiovascular phenotype. Identifiers: MedGen CN230736.

gnomAD v4.1: 1 of 1,595,908 alleles (0.000063%); highest among the groups gnomAD compares: Non-Finnish European, 0.000086%; no homozygotes.

Submissions (3):

Ambry Genetics
Classification: Uncertain significance for Cardiovascular phenotype. Last evaluated: 2025-09-08. Review status: criteria provided, single submitter. Criteria: Ambry Variant Classification Scheme 2023. Collection method: clinical testing. Allele origin: germline.
Comment: The p.N3512K variant (also known as c.10536T>G), located in coding exon 73 of the RYR2 gene, results from a T to G substitution at nucleotide position 10536. The asparagine at codon 3512 is replaced by lysine, an amino acid with similar properties. This amino acid position is highly conserved in available vertebrate species. In addition, the in silico prediction for this alteration is inconclusive. Based on the available evidence, the clinical significance of this variant remains unclear.

Color Diagnostics, LLC DBA Color Health
Classification: Uncertain significance for Cardiomyopathy. Last evaluated: 2024-06-24. Review status: criteria provided, single submitter. Criteria: ACMG Guidelines, 2015. Collection method: clinical testing. Allele origin: germline.
Comment: This missense variant replaces asparagine with lysine at codon 3512 of the RYR2 protein. Computational prediction is inconclusive regarding the impact of this variant on protein structure and function (internally defined REVEL score threshold 0.5 < inconclusive < 0.7, PMID: 27666373). To our knowledge, functional studies have not been reported for this variant. This variant has not been reported in individuals affected with RYR2-related disorders in the literature. This variant has been identified in 1/248440 chromosomes in the general population by the Genome Aggregation Database (gnomAD). The available evidence is insufficient to determine the role of this variant in disease conclusively. Therefore, this variant is classified as a Variant of Uncertain Significance.

GeneDx
Classification: Uncertain significance. Last evaluated: 2023-08-09. Review status: criteria provided, single submitter. Criteria: GeneDx Variant Classification Process June 2021. Collection method: clinical testing. Allele origin: germline. Affected: yes.
Comment: Not observed at significant frequency in large population cohorts (gnomAD); In silico analysis supports that this missense variant has a deleterious effect on protein structure/function; Has not been previously published as pathogenic or benign to our knowledge

NM_001035.3(RYR2):c.10536T>G (p.Asn3512Lys)

Gene: RYR2 (ryanodine receptor 2; plus strand). Cytogenetic location: 1q43.
Variant type: single nucleotide variant.
Coding change: c.10536T>G on transcript NM_001035.3 (MANE Select); coding-DNA position 10536, T replaced by G.
Protein change: p.Asn3512Lys; replaces asparagine 3512 with lysine.
Molecular consequence: missense variant.
Genome position (GRCh38, 1-based): chr1:237,718,503, T>G. VCF-style: chr1-237718503-T-G. GRCh37 (hg19) VCF-style: chr1-237881803-T-G.
Other names: short protein forms N3512K.
Identifiers: ClinVar variation 3342814 (VCV003342814.3).